The following is an entry in ClinVar:

ClinVar aggregate classification (germline): Uncertain significance. Review status: criteria provided, multiple submitters, no conflicts (2 of 4 stars). 2 submissions from 2 submitters: Uncertain significance (2). Last evaluated 2025-10-17.

Conditions:
Inborn genetic diseases. Identifiers: MedGen C0950123, MeSH D030342.

Allele frequency attached by ClinVar (database versions not stated): gnomAD exomes 0.00001; ExAC 0.00002; TOPMed 0.00002; gnomAD 0.00003 and 0.00004.
gnomAD v4.1: 16 of 1,614,094 alleles (0.00099%); highest among the groups gnomAD compares: South Asian, 0.0077%; 1 homozygote.

Submissions (2):

Ambry Genetics
Classification: Uncertain significance for Inborn genetic diseases. Last evaluated: 2025-10-17. Review status: criteria provided, single submitter. Criteria: Ambry Variant Classification Scheme 2023. Collection method: clinical testing. Allele origin: germline.

Labcorp Genetics (formerly Invitae), Labcorp
Classification: Uncertain significance. Last evaluated: 2025-04-08. Review status: criteria provided, single submitter. Criteria: Invitae Variant Classification Sherloc (09022015). Collection method: clinical testing. Allele origin: germline.
Comment: This sequence change replaces threonine, which is neutral and polar, with isoleucine, which is neutral and non-polar, at codon 365 of the LEMD3 protein (p.Thr365Ile). This variant is present in population databases (rs747950441, gnomAD 0.004%). This variant has not been reported in the literature in individuals affected with LEMD3-related conditions. ClinVar contains an entry for this variant (Variation ID: 1412837). Invitae Evidence Modeling of protein sequence and biophysical properties (such as structural, functional, and spatial information, amino acid conservation, physicochemical variation, residue mobility, and thermodynamic stability) indicates that this missense variant is not expected to disrupt LEMD3 protein function with a negative predictive value of 80%. In summary, the available evidence is currently insufficient to determine the role of this variant in disease. Therefore, it has been classified as a Variant of Uncertain Significance.

NM_014319.5(LEMD3):c.1094C>T (p.Thr365Ile)

Genes: LEMD3 (LEM domain containing 3; plus strand), LOC130008225 (ATAC-STARR-seq lymphoblastoid active region 6608; plus strand). Cytogenetic location: 12q14.3.
Variant type: single nucleotide variant.
Coding change: c.1094C>T on transcript NM_014319.5 (MANE Select); coding-DNA position 1094, C replaced by T.
Protein change: p.Thr365Ile; replaces threonine 365 with isoleucine.
Molecular consequence: missense variant.
Genome position (GRCh38, 1-based): chr12:65,170,690, C>T. VCF-style: chr12-65170690-C-T. GRCh37 (hg19) VCF-style: chr12-65564470-C-T.
Other names: c.1094C>T (NM_014319.4); c.1094C>T, p.Thr365Ile (NM_001167614.2); short protein forms T365I.
Identifiers: ClinVar variation 1412837 (VCV001412837.10), dbSNP rs747950441, ClinGen allele CA6670841.